The following is an entry in ClinVar:

ClinVar aggregate classification (germline): Benign/Likely benign. Review status: criteria provided, multiple submitters, no conflicts (2 of 4 stars). 11 submissions from 11 submitters: Benign (9); Likely benign (1). 1 of the submissions does not count toward it. Last evaluated 2026-02-04.

Conditions:
Chronic granulomatous disease. Identifiers: Orphanet 379, MedGen C0018203, MONDO:0018305.
Granulomatous disease, chronic, autosomal recessive, cytochrome b-negative. Also called: GRANULOMATOUS DISEASE, CHRONIC, AUTOSOMAL RECESSIVE, 4; CGD DUE TO DEFICIENCY OF THE ALPHA SUBUNIT OF CYTOCHROME b; CGD, AUTOSOMAL RECESSIVE CYTOCHROME b-NEGATIVE; CYBA DEFICIENCY; Chronic granulomatous disease, autosomal, due to deficiency of CYBA. Identifiers: Orphanet 379, MedGen C1856255, MONDO:0009308, OMIM 233690.

Allele frequency attached by ClinVar (database versions not stated): 1000 Genomes Project 0.36601; 1000 Genomes Project 30x 0.36868; TOPMed 0.43183; gnomAD 0.43961 and 0.44118; ESP Exome Variant Server 0.43995; gnomAD exomes 0.47135 and 0.50140; ExAC 0.48207.
gnomAD v4.1: 794,455 of 1,606,018 alleles (49%); highest among the groups gnomAD compares: Admixed American, 52%; 201,103 homozygotes.

Submissions (11):

Labcorp Genetics (formerly Invitae), Labcorp
Classification: Benign for Granulomatous disease, chronic, autosomal recessive, cytochrome b-negative. Last evaluated: 2026-02-04. Review status: criteria provided, single submitter. Criteria: Invitae Variant Classification Sherloc (09022015). Collection method: clinical testing. Allele origin: germline.

Women's Health and Genetics/Laboratory Corporation of America, LabCorp
Classification: Benign. Last evaluated: 2026-01-21. Review status: criteria provided, single submitter. Criteria: LabCorp Variant Classification Summary - May 2015. Collection method: clinical testing. Allele origin: germline.

Blueprint Genetics
Classification: Likely benign. Last evaluated: 2024-11-27. Review status: criteria provided, single submitter. Criteria: ACMG Guidelines, 2015. Collection method: clinical testing. Allele origin: germline.

Unidad de Genómica Garrahan, Hospital de Pediatría Garrahan
Classification: Benign. Last evaluated: 2024-01-24. Review status: criteria provided, single submitter. Criteria: ACMG Guidelines, 2015. Collection method: clinical testing. Allele origin: germline. Affected: no. Observed: 70 variant alleles.
Comment: This variant is classified as Benign based on local population frequency. This variant was detected in 74% of patients studied by a panel of primary immunodeficiencies. Number of patients: 70. Only high quality variants are reported.

Genome-Nilou Lab
Classification: Benign for Granulomatous disease, chronic, autosomal recessive, cytochrome b-negative. Last evaluated: 2021-06-10. Review status: criteria provided, single submitter. Criteria: ACMG Guidelines, 2015. Collection method: clinical testing. Allele origin: germline. Affected: no.

Mayo Clinic Laboratories, Mayo Clinic
Classification: Benign. Last evaluated: 2018-06-06. Review status: criteria provided, single submitter. Criteria: ACMG Guidelines, 2015. Collection method: clinical testing. Allele origin: germline. Observed: 261 variant alleles.

Eurofins Ntd Llc (ga)
Classification: Benign. Last evaluated: 2015-05-12. Review status: criteria provided, single submitter. Criteria: EGL Classification Definitions 2015. Collection method: clinical testing. Allele origin: germline. Observed: 3 variant alleles, 3 heterozygotes.

GeneDx
Classification: Benign. Last evaluated: 2015-03-03. Review status: criteria provided, single submitter. Criteria: GeneDx Variant Classification Process June 2021. Collection method: clinical testing. Allele origin: germline. Affected: yes.

Breakthrough Genomics
Classification: Benign. Review status: criteria provided, single submitter. Criteria: ACMG Guidelines, 2015. Collection method: not provided. Allele origin: germline. Inheritance: Autosomal recessive inheritance. Affected: yes.

PreventionGenetics, part of Exact Sciences
Classification: Benign. Review status: criteria provided, single submitter. Criteria: ACMG Guidelines, 2015. Collection method: clinical testing. Allele origin: germline.

Natera, Inc.
Classification: Benign for Chronic granulomatous disease. Last evaluated: 2019-11-19. Review status: no assertion criteria provided. Collection method: clinical testing. Allele origin: germline. Not counted in ClinVar's aggregate classification.

NM_000101.4(CYBA):c.203+8T>C

Gene: CYBA (cytochrome b-245 alpha chain; minus strand). Cytogenetic location: 16q24.2.
Variant type: single nucleotide variant.
Coding change: c.203+8T>C on transcript NM_000101.4 (MANE Select); 8 bases into the intron after coding-DNA position 203, T replaced by C.
Molecular consequence: intron variant.
Genome position (GRCh38, 1-based): chr16:88,647,093, A>G on the plus strand (T>C on the coding strand, the complement: CYBA is on the minus strand). VCF-style: chr16-88647093-A-G. GRCh37 (hg19) VCF-style: chr16-88713501-A-G.
Other names: p.?.
Identifiers: ClinVar variation 196207 (VCV000196207.23), dbSNP rs4782393, ClinGen allele CA202197.